The following is an entry in ClinVar:

ClinVar aggregate classification (germline): Uncertain significance (1 of 4 stars; one submission).

Allele frequency attached by ClinVar (database versions not stated): TOPMed below 0.00001.
gnomAD v4.1: 3 of 1,613,474 alleles (0.00019%); highest among the groups gnomAD compares: Non-Finnish European, 0.00025%; no homozygotes.

Submission:

Labcorp Genetics (formerly Invitae), Labcorp
Classification: Uncertain significance. Last evaluated: 2021-12-02. Review status: criteria provided, single submitter. Criteria: Invitae Variant Classification Sherloc (09022015). Collection method: clinical testing. Allele origin: germline.
Comment: This variant is present in population databases (no rsID available, gnomAD 0.0009%). This sequence change replaces lysine, which is basic and polar, with asparagine, which is neutral and polar, at codon 233 of the PNPLA8 protein (p.Lys233Asn). This variant has not been reported in the literature in individuals affected with PNPLA8-related conditions. In summary, the available evidence is currently insufficient to determine the role of this variant in disease. Therefore, it has been classified as a Variant of Uncertain Significance. Algorithms developed to predict the effect of missense changes on protein structure and function output the following: SIFT: "Tolerated"; PolyPhen-2: "Benign"; Align-GVGD: "Class C0". The asparagine amino acid residue is found in multiple mammalian species, which suggests that this missense change does not adversely affect protein function.

NM_001256007.3(PNPLA8):c.699A>C (p.Lys233Asn)

Gene: PNPLA8 (patatin like domain 8, phospholipase A2; minus strand). Cytogenetic location: 7q31.1.
Variant type: single nucleotide variant.
Coding change: c.699A>C on transcript NM_001256007.3 (MANE Select); coding-DNA position 699, A replaced by C.
Protein change: p.Lys233Asn; replaces lysine 233 with asparagine.
Molecular consequence: missense variant.
Genome position (GRCh38, 1-based): chr7:108,514,793, T>G on the plus strand (A>C on the coding strand, the complement: PNPLA8 is on the minus strand). VCF-style: chr7-108514793-T-G. GRCh37 (hg19) VCF-style: chr7-108155237-T-G.
Other names: c.699A>C, p.Lys233Asn (NM_001256008.3, NM_001256009.3, NM_015723.5); c.399A>C, p.Lys133Asn (NM_001256010.3, NM_001256011.3); short protein forms K133N, K233N.
Identifiers: ClinVar variation 1915093 (VCV001915093.5), dbSNP rs752488325, ClinGen allele CA368898243.